The following is an entry in ClinVar:

ClinVar aggregate classification (germline): Benign. Review status: criteria provided, multiple submitters, no conflicts (2 of 4 stars). 6 submissions from 6 submitters: Benign (5). 1 of the submissions does not count toward it. Last evaluated 2026-02-03.

Conditions:
Deafness-encephaloneuropathy-obesity-valvulopathy syndrome. Identifiers: Orphanet 254898, MedGen C3553354, MONDO:0013837, OMIM 614651.
PDSS1-related disorder. Also called: PDSS1-related condition.

Allele frequency attached by ClinVar (database versions not stated): ESP Exome Variant Server 0.00085; gnomAD exomes 0.00323 and 0.01191; gnomAD 0.00516 and 0.00581; TOPMed 0.00806; ExAC 0.00903; 1000 Genomes Project 30x 0.01312; 1000 Genomes Project 0.01378.
gnomAD v4.1: 5,575 of 1,613,904 alleles (0.35%); highest among the groups gnomAD compares: Admixed American, 5.5%; 124 homozygotes.

Submissions (6):

Labcorp Genetics (formerly Invitae), Labcorp
Classification: Benign. Last evaluated: 2026-02-03. Review status: criteria provided, single submitter. Criteria: Invitae Variant Classification Sherloc (09022015). Collection method: clinical testing. Allele origin: germline.

Mayo Clinic Laboratories, Mayo Clinic
Classification: Benign. Last evaluated: 2022-03-23. Review status: criteria provided, single submitter. Criteria: ACMG Guidelines, 2015. Collection method: clinical testing. Allele origin: germline. Observed: 14 variant alleles.

Illumina Laboratory Services, Illumina
Classification: Benign for Deafness-encephaloneuropathy-obesity-valvulopathy syndrome. Last evaluated: 2018-01-13. Review status: criteria provided, single submitter. Criteria: ICSL Variant Classification Criteria 13 December 2019. Collection method: clinical testing. Allele origin: germline.
Comment: This variant was observed in the ICSL laboratory as part of a predisposition screen in an ostensibly healthy population. It had not been previously curated by ICSL or reported in the Human Gene Mutation Database (HGMD: prior to June 1st, 2018), and was therefore a candidate for classification through an automated scoring system. Utilizing variant allele frequency, disease prevalence and penetrance estimates, and inheritance mode, an automated score was calculated to assess if this variant is too frequent to cause the disease. Based on the score and internal cut-off values, a variant classified as benign is not then subjected to further curation. The score for this variant resulted in a classification of benign for this disease.

GeneDx
Classification: Benign. Last evaluated: 2014-06-02. Review status: criteria provided, single submitter. Criteria: GeneDx Variant Classification (06012015). Collection method: clinical testing. Allele origin: germline. Affected: yes.
Comment: This variant is considered likely benign or benign based on one or more of the following criteria: it is a conservative change, it occurs at a poorly conserved position in the protein, it is predicted to be benign by multiple in silico algorithms, and/or has population frequency not consistent with disease.

Breakthrough Genomics
Classification: Benign. Review status: criteria provided, single submitter. Criteria: ACMG Guidelines, 2015. Collection method: not provided. Allele origin: germline. Inheritance: Autosomal recessive inheritance. Affected: yes.

PreventionGenetics, part of Exact Sciences
Classification: Benign for PDSS1-related condition. Last evaluated: 2019-05-06. Review status: no assertion criteria provided. Collection method: clinical testing. Allele origin: germline. Not counted in ClinVar's aggregate classification.
Comment: This variant is classified as benign based on ACMG/AMP sequence variant interpretation guidelines (Richards et al. 2015 PMID: 25741868, with internal and published modifications).

NM_014317.5(PDSS1):c.407T>G (p.Phe136Cys)

Gene: PDSS1 (decaprenyl diphosphate synthase subunit 1; plus strand). Cytogenetic location: 10p12.1.
Variant type: single nucleotide variant.
Coding change: c.407T>G on transcript NM_014317.5 (MANE Select); coding-DNA position 407, T replaced by G.
Protein change: p.Phe136Cys; replaces phenylalanine 136 with cysteine.
Molecular consequence: missense variant. On other transcripts: 5 prime UTR variant (1).
Genome position (GRCh38, 1-based): chr10:26,709,708, T>G. VCF-style: chr10-26709708-T-G. GRCh37 (hg19) VCF-style: chr10-26998637-T-G.
Other names: p.F136C:TTT>TGT; p.Phe136Cys; c.407T>G, p.Phe136Cys (NM_001321978.2); c.-187T>G (NM_001321979.2); short protein forms F136C.
Identifiers: ClinVar variation 138681 (VCV000138681.19), dbSNP rs77826284, ClinGen allele CA292764.
Genomic context (GRCh38, chr10:26,709,708, plus strand): 5'-TATCAACATCAGAACTTAAGGAAATGTCTGAGTACTACTTTGATGGGAAAGGGAAAGCCT[T>G]TCGACCAATTATTGTGGCGCTAATGGCCCGAGCATGCAATATTCATCATAACAACTCCCG-3'
Protein context (NP_055132.2, residues 126-146): EYYFDGKGKA[Phe136Cys]RPIIVALMAR